The following is an entry in ClinVar:

NM_001364171.2(ODAD1):c.730G>A (p.Glu244Lys)

Gene: ODAD1 (outer dynein arm docking complex subunit 1; minus strand). Cytogenetic location: 19q13.33.
Variant type: single nucleotide variant.
Coding change: c.730G>A on transcript NM_001364171.2 (MANE Select); coding-DNA position 730, G replaced by A.
Protein change: p.Glu244Lys; replaces glutamic acid 244 with lysine.
Molecular consequence: missense variant.
Genome position (GRCh38, 1-based): chr19:48,304,076, C>T on the plus strand (G>A on the coding strand, the complement: ODAD1 is on the minus strand). VCF-style: chr19-48304076-C-T. GRCh37 (hg19) VCF-style: chr19-48807333-C-T.
Other names: c.619G>A, p.Glu207Lys (NM_144577.4); short protein forms E207K, E244K.
Identifiers: ClinVar variation 241879 (VCV000241879.23), dbSNP rs114078313, ClinGen allele CA9548972.

ClinVar aggregate classification (germline): Benign/Likely benign. Review status: criteria provided, multiple submitters, no conflicts (2 of 4 stars). 6 submissions from 6 submitters: Benign (4); Likely benign (2). Last evaluated 2026-02-01.

Conditions:
Primary ciliary dyskinesia. Also called: Ciliary dyskinesia. Identifiers: Orphanet 244, MedGen C0008780, MONDO:0016575, HP:0012265.

Allele frequency attached by ClinVar (database versions not stated): gnomAD exomes 0.00038 and 0.00108; ExAC 0.00125; gnomAD 0.00421 and 0.00460; TOPMed 0.00456; 1000 Genomes Project 0.00459; ESP Exome Variant Server 0.00492; 1000 Genomes Project 30x 0.00515.

Submissions (6):

Labcorp Genetics (formerly Invitae), Labcorp
Classification: Benign for Primary ciliary dyskinesia. Last evaluated: 2026-02-01. Review status: criteria provided, single submitter. Criteria: Invitae Variant Classification Sherloc (09022015). Collection method: clinical testing. Allele origin: germline.

CeGaT Center for Human Genetics Tuebingen
Classification: Likely benign. Last evaluated: 2025-11-01. Review status: criteria provided, single submitter. Criteria: CeGaT Center For Human Genetics Tuebingen Variant Classification Criteria Version 2. Collection method: clinical testing. Allele origin: germline. Affected: yes. Observed: 1 variant allele.
Comment: ODAD1: BP4, BS1

Blueprint Genetics
Classification: Likely benign. Last evaluated: 2024-10-16. Review status: criteria provided, single submitter. Criteria: ACMG Guidelines, 2015. Collection method: clinical testing. Allele origin: germline.

Ambry Genetics
Classification: Benign for Primary ciliary dyskinesia. Last evaluated: 2016-10-28. Review status: criteria provided, single submitter. Criteria: Ambry Variant Classification Scheme 2023. Collection method: clinical testing. Allele origin: germline.

Breakthrough Genomics
Classification: Benign. Review status: criteria provided, single submitter. Criteria: ACMG Guidelines, 2015. Collection method: not provided. Allele origin: germline. Inheritance: Autosomal recessive inheritance. Affected: yes.

PreventionGenetics, part of Exact Sciences
Classification: Benign. Review status: criteria provided, single submitter. Criteria: ACMG Guidelines, 2015. Collection method: clinical testing. Allele origin: germline.